The following is an entry in ClinVar:

ClinVar aggregate classification (germline): Likely benign (0 of 4 stars; one submission).

Conditions:
MSTN-related disorder. Also called: MSTN-related condition.

Allele frequency attached by ClinVar (database versions not stated): ExAC 0.00052; 1000 Genomes Project 30x 0.00109; 1000 Genomes Project 0.00120; ESP Exome Variant Server 0.00161; TOPMed 0.00164; gnomAD 0.00166.
gnomAD v4.1: 500 of 1,613,366 alleles (0.031%); highest among the groups gnomAD compares: African/African-American, 0.53%; 2 homozygotes.

Submission:

PreventionGenetics, part of Exact Sciences
Classification: Likely benign for MSTN-related condition. Last evaluated: 2020-04-24. Review status: no assertion criteria provided. Collection method: clinical testing. Allele origin: germline.
Comment: This variant is classified as likely benign based on ACMG/AMP sequence variant interpretation guidelines (Richards et al. 2015 PMID: 25741868, with internal and published modifications).

NM_005259.3(MSTN):c.194G>A (p.Arg65His)

Genes: C2orf88 (chromosome 2 open reading frame 88; plus strand), MSTN (myostatin; minus strand). Cytogenetic location: 2q32.2.
Variant type: single nucleotide variant.
Coding change: c.194G>A on transcript NM_005259.3 (MANE Select); coding-DNA position 194, G replaced by A.
Protein change: p.Arg65His; replaces arginine 65 with histidine.
Molecular consequence: missense variant.
Genome position (GRCh38, 1-based): chr2:190,062,403, C>T on the plus strand (G>A on the coding strand, the complement: MSTN is on the minus strand). VCF-style: chr2-190062403-C-T. GRCh37 (hg19) VCF-style: chr2-190927129-C-T.
Other names: short protein forms R65H.
Identifiers: ClinVar variation 3057825 (VCV003057825.2), dbSNP rs34094280, ClinGen allele CA2027193.